The following is an entry in ClinVar:

ClinVar aggregate classification (germline): Uncertain significance. Review status: criteria provided, multiple submitters, no conflicts (2 of 4 stars). 3 submissions from 3 submitters: Uncertain significance (3). Last evaluated 2025-10-26.

Conditions:
Dilated cardiomyopathy 1JJ (CMD1JJ). Identifiers: Orphanet 154, MedGen C3808935, MONDO:0014095, OMIM 615235.
Cardiovascular phenotype. Identifiers: MedGen CN230736.

Allele frequency attached by ClinVar (database versions not stated): ExAC 0.00002; gnomAD exomes 0.00003; gnomAD 0.00004 and 0.00005; TOPMed 0.00005; ESP Exome Variant Server 0.00008.
gnomAD v4.1: 62 of 1,613,962 alleles (0.0038%); highest among the groups gnomAD compares: Non-Finnish European, 0.0047%; no homozygotes.

Submissions (3):

Ambry Genetics
Classification: Uncertain significance for Cardiovascular phenotype. Last evaluated: 2025-10-26. Review status: criteria provided, single submitter. Criteria: Ambry Variant Classification Scheme 2023. Collection method: clinical testing. Allele origin: germline.
Comment: The p.L468V variant (also known as c.1402C>G), located in coding exon 11 of the LAMA4 gene, results from a C to G substitution at nucleotide position 1402. The leucine at codon 468 is replaced by valine, an amino acid with highly similar properties. This amino acid position is conserved. In addition, this alteration is predicted to be tolerated by in silico analysis. Since supporting evidence is limited at this time, the clinical significance of this alteration remains unclear.

Women's Health and Genetics/Laboratory Corporation of America, LabCorp
Classification: Uncertain significance. Last evaluated: 2025-10-10. Review status: criteria provided, single submitter. Criteria: LabCorp Variant Classification Summary - May 2015. Collection method: clinical testing. Allele origin: germline.

Labcorp Genetics (formerly Invitae), Labcorp
Classification: Uncertain significance for Dilated cardiomyopathy 1JJ. Last evaluated: 2022-07-11. Review status: criteria provided, single submitter. Criteria: Invitae Variant Classification Sherloc (09022015). Collection method: clinical testing. Allele origin: germline.
Comment: In summary, the available evidence is currently insufficient to determine the role of this variant in disease. Therefore, it has been classified as a Variant of Uncertain Significance. Algorithms developed to predict the effect of missense changes on protein structure and function (SIFT, PolyPhen-2, Align-GVGD) all suggest that this variant is likely to be tolerated. ClinVar contains an entry for this variant (Variation ID: 1461768). This variant has not been reported in the literature in individuals affected with LAMA4-related conditions. This variant is present in population databases (rs373612803, gnomAD 0.007%). This sequence change replaces leucine, which is neutral and non-polar, with valine, which is neutral and non-polar, at codon 468 of the LAMA4 protein (p.Leu468Val).

NM_001105206.3(LAMA4):c.1423C>G (p.Leu475Val)

Gene: LAMA4 (laminin subunit alpha 4; minus strand). Cytogenetic location: 6q21.
Variant type: single nucleotide variant.
Coding change: c.1423C>G on transcript NM_001105206.3 (MANE Select); coding-DNA position 1423, C replaced by G.
Protein change: p.Leu475Val; replaces leucine 475 with valine.
Molecular consequence: missense variant.
Genome position (GRCh38, 1-based): chr6:112,172,739, G>C on the plus strand (C>G on the coding strand, the complement: LAMA4 is on the minus strand). VCF-style: chr6-112172739-G-C. GRCh37 (hg19) VCF-style: chr6-112493941-G-C.
Other names: c.1402C>G (NM_002290.3); c.1402C>G, p.Leu468Val (NM_001105207.3, NM_002290.5); short protein forms L475V, L468V.
Identifiers: ClinVar variation 1461768 (VCV001461768.12), dbSNP rs373612803, ClinGen allele CA3965773.